The following is an entry in ClinVar:

ClinVar aggregate classification (germline): Likely pathogenic (1 of 4 stars; one submission).

Conditions:
Senior-Loken syndrome 6 (SLSN6). Identifiers: Orphanet 3156, MedGen C1857779, MONDO:0012433, OMIM 610189.
Meckel syndrome, type 4 (MKS4). Also called: MECKEL-GRUBER SYNDROME, TYPE 4. Identifiers: Orphanet 564, MedGen C1970161, MONDO:0012626, OMIM 611134.
Joubert syndrome 5 (JBTS5). Identifiers: Orphanet 2318, MedGen C1857780, MONDO:0012432, OMIM 610188.
Bardet-Biedl syndrome 14 (BBS14). Identifiers: Orphanet 110, MedGen C2673874, MONDO:0014442, OMIM 615991.
Leber congenital amaurosis 10 (LCA10). Identifiers: Orphanet 65, MedGen C1857821, MONDO:0012723, OMIM 611755.

Submission:

Juno Genomics, Hangzhou Juno Genomics, Inc
Classification: Likely pathogenic for Bardet-Biedl syndrome 14; Joubert syndrome 5; Leber congenital amaurosis 10; Meckel syndrome, type 4; Senior-Loken syndrome 6. Review status: criteria provided, single submitter. Criteria: ACMG Guidelines, 2015. Collection method: clinical testing. Allele origin: germline.
Comment: Null variant in a gene where loss of function (LOF) is a known mechanism of disease.;Absent from controls (or at extremely low frequency if recessive) in Genome Aggregation Database.

NM_025114.4(CEP290):c.5512del (p.Arg1838fs)

Gene: CEP290 (centrosomal protein 290; minus strand). Cytogenetic location: 12q21.32.
Variant type: Deletion.
Coding change: c.5512del on transcript NM_025114.4 (MANE Select); coding-DNA position 5512, one base deleted (A; older notation c.5512delA).
Protein change: p.Arg1838fs; shifts the reading frame from arginine 1838.
Molecular consequence: frameshift variant.
Genome position (GRCh38, 1-based): chr12:88,077,771, T deleted on the plus strand (A on the coding strand, the reverse complement: CEP290 is on the minus strand). VCF-style (leftmost placement, unchanged base first): chr12-88077770-CT-C. GRCh37 (hg19) VCF-style: chr12-88471547-CT-C.
Other names: short protein forms R1838fs.
Identifiers: ClinVar variation 5005190 (VCV005005190.2).
Genomic context (GRCh38, chr12:88,077,770, plus strand): 5'-GTTAGTCTTTTAATTTGCCTTTTCAGTTCATCATTCTCTTGATCAATTTCCTCTTTCTCT[CT>C]AAGTATTTTATTATAGGCTTTTTGTTTCTTTTGCAGTTCATTATTTAAGTCATTCAAATT-3'